The following is an entry in ClinVar:

ClinVar aggregate classification (germline): Pathogenic/Likely pathogenic. Review status: criteria provided, multiple submitters, no conflicts (2 of 4 stars). 4 submissions from 4 submitters: Pathogenic (1); Likely pathogenic (3). Last evaluated 2024-10-18.

Conditions:
Dilated cardiomyopathy 1G (CMD1G). Identifiers: Orphanet 154, MedGen C1858763, MONDO:0011400, OMIM 604145.
Autosomal recessive limb-girdle muscular dystrophy type 2J (LGMDR10). Also called: Limb-girdle muscular dystrophy, type 2J; MUSCULAR DYSTROPHY, LIMB-GIRDLE, AUTOSOMAL RECESSIVE 10. Identifiers: Orphanet 140922, MedGen C1837342, MONDO:0012127, OMIM 608807.
Cardiomyopathy (CMYO). Also called: Cardiomyopathies. Identifiers: Orphanet 167848, MedGen C0878544, MONDO:0004994, HP:0001638. Inheritance: Various modes of inheritance.

Submissions (4):

Labcorp Genetics (formerly Invitae), Labcorp
Classification: Likely pathogenic for Dilated cardiomyopathy 1G; Autosomal recessive limb-girdle muscular dystrophy type 2J. Last evaluated: 2024-10-18. Review status: criteria provided, single submitter. Criteria: Invitae Variant Classification Sherloc (09022015). Collection method: clinical testing. Allele origin: germline.
Comment: This sequence change creates a premature translational stop signal (p.His15284Glnfs*3) in the TTN gene. While this is not anticipated to result in nonsense mediated decay, it is expected to create a truncated TTN protein. This variant is not present in population databases (gnomAD no frequency). This variant has not been observed in the literature in individuals with autosomal recessive TTN-related conditions. This variant has been reported in individual(s) with autosomal dominant dilated cardiomyopathy (PMID: 31983221, 37652022); however, the role of the variant in this condition is currently unclear. ClinVar contains an entry for this variant (Variation ID: 1202776). This variant is located in the I band of TTN (PMID: 25589632). Truncating variants in this region have been reported in individuals affected with autosomal recessive centronuclear myopathy (PMID: 23975875, internal data). Truncating variants in this region have also been identified in individuals affected with autosomal dominant dilated cardiomyopathy and/or cardio-related conditions (PMID: 27869827, 32964742, internal data). In summary, the currently available evidence indicates that the variant is pathogenic, but additional data are needed to prove that conclusively. Therefore, this variant has been classified as Likely Pathogenic.

3billion
Classification: Pathogenic for Autosomal recessive limb-girdle muscular dystrophy type 2J. Last evaluated: 2023-12-09. Review status: criteria provided, single submitter. Criteria: ACMG Guidelines, 2015. Collection method: clinical testing. Allele origin: germline. Affected: yes.
Comment: The variant is not observed in the gnomAD v2.1.1 dataset. Predicted Consequence/Location: Frameshift: predicted to result in a loss or disruption of normal protein function through nonsense-mediated decay (NMD) or protein truncation. Multiple pathogenic variants are reported downstream of the variant. The variant has been reported at least twice as pathogenic without evidence for the classification (ClinVar ID: VCV001202776). Therefore, this variant is classified as Pathogenic according to the recommendation of ACMG/AMP guideline.

GeneDx
Classification: Likely pathogenic. Last evaluated: 2023-03-16. Review status: criteria provided, single submitter. Criteria: GeneDx Variant Classification Process June 2021. Collection method: clinical testing. Allele origin: germline. Affected: yes.
Comment: Reported in association with dilated cardiomyopathy (Mazzarotto et al., 2020); Not observed at significant frequency in large population cohorts (gnomAD); Frameshift variant predicted to result in protein truncation or nonsense mediated decay in a gene for which loss of function is a known mechanism of disease; Located in a region of TTN within the I-band in which the majority of loss of function variants are significantly associated with autosomal dominant titinopathies (Deo et al., 2016; Schafer et al., 2017); This variant is associated with the following publications: (PMID: 31983221, 27625338, 27869827)

CHEO Genetics Diagnostic Laboratory, Children's Hospital of Eastern Ontario
Classification: Likely pathogenic for Cardiomyopathy. Last evaluated: 2021-09-22. Review status: criteria provided, single submitter. Criteria: ACMG Guidelines, 2015. Collection method: clinical testing. Allele origin: germline.

Literature cited by the submitters: PubMed 31983221 (cited by Labcorp Genetics (formerly Invitae), Labcorp); PubMed 37652022 (cited by Labcorp Genetics (formerly Invitae), Labcorp); PubMed 25589632 (cited by Labcorp Genetics (formerly Invitae), Labcorp); PubMed 23975875 (cited by Labcorp Genetics (formerly Invitae), Labcorp); PubMed 27869827 (cited by Labcorp Genetics (formerly Invitae), Labcorp); PubMed 32964742 (cited by Labcorp Genetics (formerly Invitae), Labcorp).

NM_001267550.2(TTN):c.45852_45853del (p.His15284fs)

Gene: TTN (titin; minus strand). Cytogenetic location: 2q31.2.
Variant type: Microsatellite.
Coding change: c.45852_45853del on transcript NM_001267550.2 (MANE Select); coding-DNA positions 45852 to 45853, 2 bases deleted (CA; older notation c.45852_45853delCA).
Protein change: p.His15284fs; shifts the reading frame from histidine 15284.
Molecular consequence: frameshift variant.
Genome position (GRCh38, 1-based): chr2:178,620,757-178,620,758, TG deleted on the plus strand (CA on the coding strand, the reverse complement: TTN is on the minus strand); deleting any 2 consecutive bases within chr2:178,620,757-178,620,760 gives the same sequence; the c. name uses the placement nearest the transcript's 3' end. VCF-style (leftmost placement, unchanged base first): chr2-178620756-CTG-C. GRCh37 (hg19) VCF-style: chr2-179485483-CTG-C.
Other names: c.40929_40930delCA (NM_001256850.1); c.40929_40930del, p.His13643fs (NM_001256850.1); c.18657_18658del, p.His6219fs (NM_003319.4); c.38148_38149del, p.His12716fs (NM_133378.4); c.19032_19033del, p.His6344fs (NM_133432.3); c.19233_19234del, p.His6411fs (NM_133437.4); short protein forms H12716fs, H13643fs, H15284fs, H6219fs, H6344fs, H6411fs.
Identifiers: ClinVar variation 1202776 (VCV001202776.14), dbSNP rs1266824761, ClinGen allele CA645524380.